The following is an entry in ClinVar:

NM_001110556.2(FLNA):c.2391C>T (p.Ala797=)

Gene: FLNA (filamin A; minus strand). Cytogenetic location: Xq28.
Variant type: single nucleotide variant.
Coding change: c.2391C>T on transcript NM_001110556.2 (MANE Select); coding-DNA position 2391, C replaced by T.
Protein change: p.Ala797=; no amino-acid change (alanine 797 retained).
Molecular consequence: synonymous variant.
Genome position (GRCh38, 1-based): chrX:154,362,674, G>A on the plus strand (C>T on the coding strand, the complement: FLNA is on the minus strand). VCF-style: chrX-154362674-G-A. GRCh37 (hg19) VCF-style: chrX-153591042-G-A.
Other names: c.2391C>T, p.Ala797= (NM_001456.4); c.2391C>T (NM_001110556.1, NM_001456.3).
Identifiers: ClinVar variation 1578621 (VCV001578621.33), dbSNP rs918799305, ClinGen allele CA337281833.

ClinVar aggregate classification (germline): Likely benign. Review status: criteria provided, multiple submitters, no conflicts (2 of 4 stars). 5 submissions from 5 submitters: Likely benign (4). 1 of the submissions does not count toward it. Last evaluated 2025-03-18.

Conditions:
Familial thoracic aortic aneurysm and aortic dissection (TAAD). Also called: Thoracic aortic aneurysms and dissections. Identifiers: Orphanet 91387, MedGen C4707243, MONDO:0019625.
Melnick-Needles syndrome (MNS). Also called: Melnick-Needles Syndrome (FLNA-MNS); MELNICK-NEEDLES OSTEODYSPLASTY; OSTEODYSPLASTY OF MELNICK AND NEEDLES. Identifiers: Orphanet 2484, MedGen C0025237, MONDO:0010650, OMIM 309350.
Frontometaphyseal dysplasia (FMD1). Identifiers: Orphanet 1826, MedGen C0265293, MONDO:0015942.
Oto-palato-digital syndrome, type II (OPD2). Also called: Otopalatodigital Syndrome Type 2 (FLNA-OPD2); Otopalatodigital Syndrome, Type II; FACIOPALATOOSSEOUS SYNDROME; OPD II SYNDROME. Identifiers: Orphanet 669, Orphanet 90652, MedGen C1844696, MONDO:0010571, OMIM 304120.
Heterotopia, periventricular, X-linked dominant (PVNH1). Also called: PERIVENTRICULAR NODULAR HETEROTOPIA 1; PERIVENTRICULAR NODULAR HETEROTOPIA 4; HETEROTOPIA, PERIVENTRICULAR, 1; X-linked periventricular heterotopia. Identifiers: Orphanet 2149, Orphanet 82004, MedGen C1848213, MONDO:0010233, OMIM 300049.
FLNA-related disorder.

Allele frequency attached by ClinVar (database versions not stated): gnomAD 0.00001; TOPMed 0.00001.
gnomAD v4.1: 14 of 1,209,394 alleles (0.0012%); highest among the groups gnomAD compares: East Asian, 0.024%; no homozygotes.

Submissions (5):

Labcorp Genetics (formerly Invitae), Labcorp
Classification: Likely benign for Oto-palato-digital syndrome, type II; Heterotopia, periventricular, X-linked dominant; Frontometaphyseal dysplasia; Melnick-Needles syndrome. Last evaluated: 2025-03-18. Review status: criteria provided, single submitter. Criteria: Invitae Variant Classification Sherloc (09022015). Collection method: clinical testing. Allele origin: germline.

Blueprint Genetics
Classification: Likely benign. Last evaluated: 2024-03-11. Review status: criteria provided, single submitter. Criteria: ACMG Guidelines, 2015. Collection method: clinical testing. Allele origin: germline.

CeGaT Center for Human Genetics Tuebingen
Classification: Likely benign. Last evaluated: 2023-11-01. Review status: criteria provided, single submitter. Criteria: CeGaT Center For Human Genetics Tuebingen Variant Classification Criteria Version 2. Collection method: clinical testing. Allele origin: germline. Affected: yes. Observed: 1 variant allele.
Comment: FLNA: BP4, BP7

Ambry Genetics
Classification: Likely benign for Familial thoracic aortic aneurysm and aortic dissection. Last evaluated: 2023-10-26. Review status: criteria provided, single submitter. Criteria: Ambry Variant Classification Scheme 2023. Collection method: clinical testing. Allele origin: germline.

PreventionGenetics, part of Exact Sciences
Classification: Likely benign for FLNA-related condition. Last evaluated: 2020-10-15. Review status: no assertion criteria provided. Collection method: clinical testing. Allele origin: germline. Not counted in ClinVar's aggregate classification.
Comment: This variant is classified as likely benign based on ACMG/AMP sequence variant interpretation guidelines (Richards et al. 2015 PMID: 25741868, with internal and published modifications).